The following is an entry in ClinVar:

ClinVar aggregate classification (germline): Uncertain significance (1 of 4 stars; one submission).

Allele frequency attached by ClinVar (database versions not stated): ExAC 0.00002; gnomAD exomes 0.00001; TOPMed below 0.00001.
gnomAD v4.1: 12 of 1,613,964 alleles (0.00074%); highest among the groups gnomAD compares: Non-Finnish European, 0.00051%; no homozygotes.

Submission:

Labcorp Genetics (formerly Invitae), Labcorp
Classification: Uncertain significance. Last evaluated: 2025-06-03. Review status: criteria provided, single submitter. Criteria: Invitae Variant Classification Sherloc (09022015). Collection method: clinical testing. Allele origin: germline.
Comment: This sequence change replaces alanine, which is neutral and non-polar, with threonine, which is neutral and polar, at codon 72 of the ADGRE2 protein (p.Ala72Thr). This variant is present in population databases (rs772128568, gnomAD 0.02%). This variant has not been reported in the literature in individuals affected with ADGRE2-related conditions. ClinVar contains an entry for this variant (Variation ID: 2988210). An algorithm developed to predict the effect of missense changes on protein structure and function (PolyPhen-2) suggests that this variant is likely to be tolerated. In summary, the available evidence is currently insufficient to determine the role of this variant in disease. Therefore, it has been classified as a Variant of Uncertain Significance.

NM_013447.4(ADGRE2):c.214G>A (p.Ala72Thr)

Gene: ADGRE2 (adhesion G protein-coupled receptor E2; minus strand). Cytogenetic location: 19p13.12.
Variant type: single nucleotide variant.
Coding change: c.214G>A on transcript NM_013447.4 (MANE Select); coding-DNA position 214, G replaced by A.
Protein change: p.Ala72Thr; replaces alanine 72 with threonine.
Molecular consequence: missense variant.
Genome position (GRCh38, 1-based): chr19:14,772,483, C>T on the plus strand (G>A on the coding strand, the complement: ADGRE2 is on the minus strand). VCF-style: chr19-14772483-C-T. GRCh37 (hg19) VCF-style: chr19-14883295-C-T.
Other names: c.214G>A, p.Ala72Thr (NM_001271052.1, NM_152916.2, NM_152917.2); short protein forms A72T.
Identifiers: ClinVar variation 2988210 (VCV002988210.3), dbSNP rs772128568, ClinGen allele CA9258242.